The following is an entry in ClinVar:

ClinVar aggregate classification (germline): Uncertain significance (1 of 4 stars; one submission).

Submission:

Mayo Clinic Laboratories, Mayo Clinic
Classification: Uncertain significance. Last evaluated: 2025-09-11. Review status: criteria provided, single submitter. Criteria: ACMG Guidelines, 2015. Collection method: clinical testing. Allele origin: germline. Observed: 1 variant allele.
Comment: PP3_moderate, PM2_supporting

NM_005546.4(ITK):c.418G>A (p.Ala140Thr)

Gene: ITK (IL2 inducible T cell kinase; plus strand). Cytogenetic location: 5q33.3.
Variant type: single nucleotide variant.
Coding change: c.418G>A on transcript NM_005546.4 (MANE Select); coding-DNA position 418, G replaced by A.
Protein change: p.Ala140Thr; replaces alanine 140 with threonine.
Molecular consequence: missense variant.
Genome position (GRCh38, 1-based): chr5:157,214,283, G>A. VCF-style: chr5-157214283-G-A. GRCh37 (hg19) VCF-style: chr5-156641294-G-A.
Other names: p.Ala140Thr; short protein forms A140T.
Identifiers: ClinVar variation 4541080 (VCV004541080.1).